The following is an entry in ClinVar:

NM_173354.5(SIK1):c.624+3A>G

Gene: SIK1 (salt inducible kinase 1; minus strand). Cytogenetic location: 21q22.3.
Variant type: single nucleotide variant.
Coding change: c.624+3A>G on transcript NM_173354.5 (MANE Select); 3 bases into the intron after coding-DNA position 624, A replaced by G.
Molecular consequence: intron variant.
Genome position (GRCh38, 1-based): chr21:43,421,240, T>C on the plus strand (A>G on the coding strand, the complement: SIK1 is on the minus strand). VCF-style: chr21-43421240-T-C. GRCh37 (hg19) VCF-style: chr21-44841120-T-C.
Identifiers: ClinVar variation 2863816 (VCV002863816.3), dbSNP rs2516967466, ClinGen allele CA2739267702.

ClinVar aggregate classification (germline): Uncertain significance (1 of 4 stars; one submission).

Conditions:
Developmental and epileptic encephalopathy, 30 (DEE30). Also called: Epileptic encephalopathy, early infantile, 30. Identifiers: MedGen C4225360, MONDO:0014595, OMIM 616341.

Submission:

Labcorp Genetics (formerly Invitae), Labcorp
Classification: Uncertain significance for Developmental and epileptic encephalopathy, 30. Last evaluated: 2024-04-13. Review status: criteria provided, single submitter. Criteria: Invitae Variant Classification Sherloc (09022015). Collection method: clinical testing. Allele origin: germline.
Comment: This sequence change falls in intron 6 of the SIK1 gene. It does not directly change the encoded amino acid sequence of the SIK1 protein. It affects a nucleotide within the consensus splice site. This variant is not present in population databases (gnomAD no frequency). This variant has not been reported in the literature in individuals affected with SIK1-related conditions. Variants that disrupt the consensus splice site are a relatively common cause of aberrant splicing (PMID: 17576681, 9536098). Algorithms developed to predict the effect of sequence changes on RNA splicing suggest that this variant may disrupt the consensus splice site. In summary, the available evidence is currently insufficient to determine the role of this variant in disease. Therefore, it has been classified as a Variant of Uncertain Significance.

Literature cited by the submitters: PubMed 17576681; PubMed 9536098.